The following is an entry in ClinVar:

ClinVar aggregate classification (germline): Pathogenic. Review status: criteria provided, multiple submitters, no conflicts (2 of 4 stars). 3 submissions from 3 submitters: Pathogenic (3). Last evaluated 2025-04-04.

Conditions:
Microcephaly 2, primary, autosomal recessive, with or without cortical malformations. Also called: MICROCEPHALY 2, PRIMARY, AUTOSOMAL RECESSIVE, WITH CORTICAL MALFORMATIONS; WDR62 Primary Microcephaly. Identifiers: Orphanet 2512, MedGen C1858535, MONDO:0011435, OMIM 604317.

Allele frequency attached by ClinVar (database versions not stated): ExAC 0.00002; gnomAD exomes 0.00002.
gnomAD v4.1: 4 of 1,614,220 alleles (0.00025%); highest among the groups gnomAD compares: Admixed American, 0.0067%; no homozygotes.

Submissions (3):

GeneDx
Classification: Pathogenic. Last evaluated: 2025-04-04. Review status: criteria provided, single submitter. Criteria: GeneDx Variant Classification Process June 2021. Collection method: clinical testing. Allele origin: germline. Affected: yes.
Comment: Nonsense variant predicted to result in protein truncation or nonsense mediated decay in a gene for which loss of function is a known mechanism of disease; Not observed at significant frequency in large population cohorts (gnomAD); Has not been previously published as pathogenic or benign to our knowledge

Fulgent Genetics
Classification: Pathogenic for Microcephaly 2, primary, autosomal recessive, with or without cortical malformations. Last evaluated: 2018-10-31. Review status: criteria provided, single submitter. Criteria: ACMG Guidelines, 2015. Collection method: clinical testing. Allele origin: unknown.

Eurofins Ntd Llc (ga)
Classification: Pathogenic. Last evaluated: 2017-08-03. Review status: criteria provided, single submitter. Criteria: EGL Classification Definitions 2015. Collection method: clinical testing. Allele origin: germline. Observed: 1 variant allele, 1 homozygote.

NM_001083961.2(WDR62):c.1941C>A (p.Cys647Ter)

Gene: WDR62 (WD repeat domain 62; plus strand). Cytogenetic location: 19q13.12.
Variant type: single nucleotide variant.
Coding change: c.1941C>A on transcript NM_001083961.2 (MANE Select); coding-DNA position 1941, C replaced by A.
Protein change: p.Cys647Ter; replaces cysteine 647 with a stop codon.
Molecular consequence: nonsense.
Genome position (GRCh38, 1-based): chr19:36,089,289, C>A. VCF-style: chr19-36089289-C-A. GRCh37 (hg19) VCF-style: chr19-36580191-C-A.
Other names: c.1941C>A, p.Cys647Ter (NM_173636.5); short protein forms C647*.
Identifiers: ClinVar variation 280634 (VCV000280634.8), dbSNP rs769688376, ClinGen allele CA9395780.
Genomic context (GRCh38, chr19:36,089,289, plus strand): 5'-GAAAACCACCTTGTATGACATGGACATTGACATCACCCAGAAGTACGTGGCCGTGGCCTG[C>A]CAGGACCGCAATGTGAGGTAAGGGGTGGCCCTGGACCCTTAGCTGGCCTGGTCTGCCTTG-3'